The following is an entry in ClinVar:

ClinVar aggregate classification (germline): Pathogenic (1 of 4 stars; one submission).

Conditions:
Ullrich congenital muscular dystrophy 2 (UCMD2). Identifiers: Orphanet 75840, MedGen C4225314, MONDO:0014654, OMIM 616470.
Bethlem myopathy 2 (BTHLM2). Identifiers: Orphanet 536516, Orphanet 610, MedGen C4225313, MONDO:0034022, OMIM 616471.

Submission:

Labcorp Genetics (formerly Invitae), Labcorp
Classification: Pathogenic for Bethlem myopathy 2; Ullrich congenital muscular dystrophy 2. Last evaluated: 2023-11-27. Review status: criteria provided, single submitter. Criteria: Invitae Variant Classification Sherloc (09022015). Collection method: clinical testing. Allele origin: germline.
Comment: This sequence change creates a premature translational stop signal (p.Gly2795*) in the COL12A1 gene. It is expected to result in an absent or disrupted protein product. Loss-of-function variants in COL12A1 are known to be pathogenic (PMID: 24334604, 28973083). This variant is not present in population databases (gnomAD no frequency). This variant has not been reported in the literature in individuals affected with COL12A1-related conditions. ClinVar contains an entry for this variant (Variation ID: 835532). For these reasons, this variant has been classified as Pathogenic.

Literature cited by the submitters: PubMed 24334604; PubMed 28973083.

NM_004370.6(COL12A1):c.8383G>T (p.Gly2795Ter)

Gene: COL12A1 (collagen type XII alpha 1 chain; minus strand). Cytogenetic location: 6q13.
Variant type: single nucleotide variant.
Coding change: c.8383G>T on transcript NM_004370.6 (MANE Select); coding-DNA position 8383, G replaced by T.
Protein change: p.Gly2795Ter; replaces glycine 2795 with a stop codon.
Molecular consequence: nonsense.
Genome position (GRCh38, 1-based): chr6:75,102,629, C>A on the plus strand (G>T on the coding strand, the complement: COL12A1 is on the minus strand). VCF-style: chr6-75102629-C-A. GRCh37 (hg19) VCF-style: chr6-75812345-C-A.
Other names: c.4891G>T, p.Gly1631Ter (NM_080645.3); short protein forms G2795*, G1631*.
Identifiers: ClinVar variation 835532 (VCV000835532.10), dbSNP rs1768358162, ClinGen allele CA364739523.